The following is an entry in ClinVar:

ClinVar aggregate classification (germline): Likely pathogenic (1 of 4 stars; one submission).

Conditions:
Werner syndrome (WRN). Identifiers: Orphanet 902, MedGen C0043119, MONDO:0010196, OMIM 277700.

Allele frequency attached by ClinVar (database versions not stated): gnomAD exomes below 0.00001; ExAC 0.00001.

Submission:

Labcorp Genetics (formerly Invitae), Labcorp
Classification: Likely pathogenic for Werner syndrome. Last evaluated: 2020-10-08. Review status: criteria provided, single submitter. Criteria: Invitae Variant Classification Sherloc (09022015). Collection method: clinical testing. Allele origin: germline.
Comment: In summary, the currently available evidence indicates that the variant is pathogenic, but additional data are needed to prove that conclusively. Therefore, this variant has been classified as Likely Pathogenic. Algorithms developed to predict the effect of sequence changes on RNA splicing suggest that this variant may disrupt the consensus splice site, but this prediction has not been confirmed by published transcriptional studies. This variant has not been reported in the literature in individuals with WRN-related conditions. The frequency data for this variant in the population databases is considered unreliable, as metrics indicate poor data quality at this position in the ExAC database. This sequence change affects a donor splice site in intron 10 of the WRN gene. It is expected to disrupt RNA splicing. Variants that disrupt the donor or acceptor splice site typically lead to a loss of protein function (PMID: 16199547), and loss-of-function variants in WRN are known to be pathogenic (PMID: 16673358).

Literature cited by the submitters: PubMed 16199547; PubMed 16673358.

NM_000553.6(WRN):c.1350+1G>A

Gene: WRN (WRN RecQ like helicase; plus strand). Cytogenetic location: 8p12.
Variant type: single nucleotide variant.
Coding change: c.1350+1G>A on transcript NM_000553.6 (MANE Select); the canonical splice donor site of the intron after coding-DNA position 1350, G replaced by A.
Molecular consequence: splice donor variant.
Genome position (GRCh38, 1-based): chr8:31,083,780, G>A. VCF-style: chr8-31083780-G-A. GRCh37 (hg19) VCF-style: chr8-30941296-G-A.
Identifiers: ClinVar variation 1068298 (VCV001068298.5), dbSNP rs752202315, ClinGen allele CA4704314.
Genomic context (GRCh38, chr8:31,083,780, plus strand): 5'-GAAAACGATACGTCCTATGTAATTGAGAGTGATGAAGATTTAGAAATGGAGATGCTTAAG[G>A]TATGTTTACAATTATAAAAATATTACTTCAAGTTCTTTCCAAAGGACATTTAATTAAGTA-3'